The following is an entry in ClinVar:

NM_001372.4(DNAH9):c.308T>C (p.Phe103Ser)

Gene: DNAH9 (dynein axonemal heavy chain 9; plus strand). Cytogenetic location: 17p12.
Variant type: single nucleotide variant.
Coding change: c.308T>C on transcript NM_001372.4 (MANE Select); coding-DNA position 308, T replaced by C.
Protein change: p.Phe103Ser; replaces phenylalanine 103 with serine.
Molecular consequence: missense variant.
Genome position (GRCh38, 1-based): chr17:11,598,806, T>C. VCF-style: chr17-11598806-T-C. GRCh37 (hg19) VCF-style: chr17-11502123-T-C.
Other names: c.308T>C (NM_001372.3); short protein forms F103S.
Identifiers: ClinVar variation 1630804 (VCV001630804.13), dbSNP rs373784591, ClinGen allele CA8394479.

ClinVar aggregate classification (germline): Conflicting classifications of pathogenicity. Review status: criteria provided, conflicting classifications (1 of 4 stars). 4 submissions from 4 submitters: Uncertain significance (1); Likely benign (2). 1 of the submissions does not count toward it. Last evaluated 2025-11-25.

Conditions:
Inborn genetic diseases. Identifiers: MedGen C0950123, MeSH D030342.
DNAH9-related disorder. Also called: DNAH9-related condition.

Allele frequency attached by ClinVar (database versions not stated): 1000 Genomes Project 30x 0.00062.
gnomAD v4.1: 587 of 1,480,538 alleles (0.04%); highest among the groups gnomAD compares: East Asian, 0.096%; 2 homozygotes.

Submissions (4):

Labcorp Genetics (formerly Invitae), Labcorp
Classification: Likely benign. Last evaluated: 2025-11-25. Review status: criteria provided, single submitter. Criteria: Invitae Variant Classification Sherloc (09022015). Collection method: clinical testing. Allele origin: germline.

Blueprint Genetics
Classification: Likely benign. Last evaluated: 2024-07-16. Review status: criteria provided, single submitter. Criteria: ACMG Guidelines, 2015. Collection method: clinical testing. Allele origin: germline.

Ambry Genetics
Classification: Uncertain significance for Inborn genetic diseases. Last evaluated: 2023-07-14. Review status: criteria provided, single submitter. Criteria: Ambry Variant Classification Scheme 2023. Collection method: clinical testing. Allele origin: germline.

PreventionGenetics, part of Exact Sciences
Classification: Likely benign for DNAH9-related condition. Last evaluated: 2023-09-04. Review status: no assertion criteria provided. Collection method: clinical testing. Allele origin: germline. Not counted in ClinVar's aggregate classification.
Comment: This variant is classified as likely benign based on ACMG/AMP sequence variant interpretation guidelines (Richards et al. 2015 PMID: 25741868, with internal and published modifications).